The following is an entry in ClinVar:

NM_002764.4(PRPS1):c.89T>A (p.Val30Glu)

Gene: PRPS1 (phosphoribosyl pyrophosphate synthetase 1; plus strand). Cytogenetic location: Xq22.3.
Variant type: single nucleotide variant.
Coding change: c.89T>A on transcript NM_002764.4 (MANE Select); coding-DNA position 89, T replaced by A.
Protein change: p.Val30Glu; replaces valine 30 with glutamic acid.
Molecular consequence: missense variant. On other transcripts: 5 prime UTR variant (1).
Genome position (GRCh38, 1-based): chrX:107,628,717, T>A. VCF-style: chrX-107628717-T-A. GRCh37 (hg19) VCF-style: chrX-106871947-T-A.
Other names: c.-116T>A (NM_001204402.2); short protein forms V30E.
Identifiers: ClinVar variation 2010512 (VCV002010512.5), dbSNP rs2521317881, ClinGen allele CA413800225.
Genomic context (GRCh38, chrX:107,628,717, plus strand): 5'-GCTCCCACCAGGACTTATCTCAGAAAATTGCTGACCGCCTGGGCCTGGAGCTAGGCAAGG[T>A]GGTGACTAAGAAATTCAGCAACCAGGAGACCTGGTAAGGACCAAGTTGGGACCCTGACTA-3'
Protein context (NP_002755.1, residues 20-40): ADRLGLELGK[Val30Glu]VTKKFSNQET

ClinVar aggregate classification (germline): Uncertain significance. Review status: criteria provided, multiple submitters, no conflicts (2 of 4 stars). 2 submissions from 2 submitters: Uncertain significance (2). Last evaluated 2025-12-22.

Conditions:
Charcot-Marie-Tooth Neuropathy X. Identifiers: MedGen CN118851.

Submissions (2):

Labcorp Genetics (formerly Invitae), Labcorp
Classification: Uncertain significance for Charcot-Marie-Tooth Neuropathy X. Last evaluated: 2025-12-22. Review status: criteria provided, single submitter. Criteria: Invitae Variant Classification Sherloc (09022015). Collection method: clinical testing. Allele origin: germline.
Comment: This sequence change replaces valine, which is neutral and non-polar, with glutamic acid, which is acidic and polar, at codon 30 of the PRPS1 protein (p.Val30Glu). This variant is not present in population databases (gnomAD no frequency). This missense change has been observed in individuals with PRPS1-related conditions (PMID: 39763288; internal data). ClinVar contains an entry for this variant (Variation ID: 2010512). Invitae Evidence Modeling of protein sequence and biophysical properties (such as structural, functional, and spatial information, amino acid conservation, physicochemical variation, residue mobility, and thermodynamic stability) indicates that this missense variant is not expected to disrupt PRPS1 protein function with a negative predictive value of 80%. In summary, the available evidence is currently insufficient to determine the role of this variant in disease. Therefore, it has been classified as a Variant of Uncertain Significance.

Blueprint Genetics
Classification: Uncertain significance. Last evaluated: 2022-09-15. Review status: criteria provided, single submitter. Criteria: ACMG Guidelines, 2015. Collection method: clinical testing. Allele origin: germline.

Literature cited by the submitters: PubMed 39763288 (cited by Labcorp Genetics (formerly Invitae), Labcorp).